The following is an entry in ClinVar:

ClinVar aggregate classification (germline): Uncertain significance. Review status: criteria provided, multiple submitters, no conflicts (2 of 4 stars). 5 submissions from 4 submitters: Uncertain significance (5). Last evaluated 2025-05-05.

Conditions:
Inborn genetic diseases. Identifiers: MedGen C0950123, MeSH D030342.
Short-rib thoracic dysplasia 7 with or without polydactyly (SRTD7). Also called: Short rib polydactyly syndrome 5; SHORT-RIB THORACIC DYSPLASIA 7 WITH POLYDACTYLY. Identifiers: Orphanet 498497, Orphanet 93271, MedGen C3279792, MONDO:0013569, OMIM 614091.
Cranioectodermal dysplasia 2 (CED2). Identifiers: Orphanet 1515, MedGen C3150874, MONDO:0013323, OMIM 613610.

Allele frequency attached by ClinVar (database versions not stated): ExAC 0.00001; gnomAD exomes 0.00001; gnomAD 0.00004 and 0.00005; TOPMed 0.00005; 1000 Genomes Project 0.00020; 1000 Genomes Project 30x 0.00031.
gnomAD v4.1: 18 of 1,613,770 alleles (0.0011%); highest among the groups gnomAD compares: African/African-American, 0.023%; no homozygotes.

Submissions (5):

Ambry Genetics
Classification: Uncertain significance for Inborn genetic diseases. Last evaluated: 2025-05-05. Review status: criteria provided, single submitter. Criteria: Ambry Variant Classification Scheme 2023. Collection method: clinical testing. Allele origin: germline.

GeneDx
Classification: Uncertain significance. Last evaluated: 2025-04-03. Review status: criteria provided, single submitter. Criteria: GeneDx Variant Classification Process June 2021. Collection method: clinical testing. Allele origin: germline. Affected: yes.
Comment: In silico analysis indicates that this missense variant does not alter protein structure/function; Has not been previously published as pathogenic or benign to our knowledge

Fulgent Genetics
Classification: Uncertain significance for Cranioectodermal dysplasia 2; Short-rib thoracic dysplasia 7 with or without polydactyly. Last evaluated: 2023-12-30. Review status: criteria provided, single submitter. Criteria: ACMG Guidelines, 2015. Collection method: clinical testing. Allele origin: germline.

Illumina Laboratory Services, Illumina
Classification: Uncertain significance for Short-rib thoracic dysplasia 7 with or without polydactyly. Last evaluated: 2018-01-13. Review status: criteria provided, single submitter. Criteria: ICSL Variant Classification Criteria 13 December 2019. Collection method: clinical testing. Allele origin: germline.

Illumina Laboratory Services, Illumina
Classification: Uncertain significance for Cranioectodermal dysplasia 2. Last evaluated: 2018-01-13. Review status: criteria provided, single submitter. Criteria: ICSL Variant Classification Criteria 13 December 2019. Collection method: clinical testing. Allele origin: germline.

NM_020779.4(WDR35):c.958C>A (p.Leu320Ile)

Gene: WDR35 (WD repeat domain 35; minus strand). Cytogenetic location: 2p24.1.
Variant type: single nucleotide variant.
Coding change: c.958C>A on transcript NM_020779.4 (MANE Select); coding-DNA position 958, C replaced by A.
Protein change: p.Leu320Ile; replaces leucine 320 with isoleucine.
Molecular consequence: missense variant.
Genome position (GRCh38, 1-based): chr2:19,969,530, G>T on the plus strand (C>A on the coding strand, the complement: WDR35 is on the minus strand). VCF-style: chr2-19969530-G-T. GRCh37 (hg19) VCF-style: chr2-20169291-G-T.
Other names: c.958C>A, p.Leu320Ile (NM_001006657.2); short protein forms L320I.
Identifiers: ClinVar variation 896632 (VCV000896632.7), dbSNP rs573430534, ClinGen allele CA1543386.